The following is an entry in ClinVar:

NM_007294.4(BRCA1):c.5406+1_5406+3del

Gene: BRCA1 (BRCA1 DNA repair associated; minus strand). Cytogenetic location: 17q21.31.
Variant type: Deletion.
Coding change: c.5406+1_5406+3del on transcript NM_007294.4 (MANE Select); the canonical splice donor site of the intron after coding-DNA position 5406 through 3 bases into the intron after coding-DNA position 5406, 3 bases deleted (GTA; older notation c.5406+1_5406+3delGTA).
Molecular consequence: splice donor variant. On other transcripts: intron variant (19).
Genome position (GRCh38, 1-based): chr17:43,049,118-43,049,120, TAC deleted on the plus strand (GTA on the coding strand, the reverse complement: BRCA1 is on the minus strand); deleting any 3 consecutive bases within chr17:43,049,118-43,049,121 gives the same sequence; the c. name uses the placement nearest the transcript's 3' end. VCF-style (leftmost placement, unchanged base first): chr17-43049117-TTAC-T. GRCh37 (hg19) VCF-style: chr17-41201134-TTAC-T.
Other names: IVS22+1delGTA; c.1953+1_1953+3del (NM_001408458.1, NM_001408461.1, NM_001408464.1 and 7 more transcripts); c.4515+1_4515+3del (NM_001407967.1); c.5025+1_5025+3del (NM_001407959.1); c.5139+1_5139+3del (NM_001407931.1, NM_001407932.1, NM_001407928.1 and 4 more transcripts); c.5262+1_5262+3del (NM_001407747.1, NM_001407745.1, NM_001407737.1 and 18 more transcripts); c.5022+1_5022+3del (NM_001407962.1, NM_001407960.1); c.1593+1_1593+3del (NM_001408512.1); and 86 more.
Identifiers: ClinVar variation 55560 (VCV000055560.17), dbSNP rs397509277, ClinGen allele CA003553.
Genomic context (GRCh38, chr17:43,049,117, plus strand): 5'-GCCAGTCTTGCTCACAGGAGAGAATATTGTGTCCTCCCTCTCTGACAGGGCACCCAATAC[TTAC>T]TGTGCCAAGGGTGAATGATGAAAGCTCCTTCACCACAGAAGCACCACACAGCTGTACCAT-3'

ClinVar aggregate classification (germline): Pathogenic/Likely pathogenic. Review status: criteria provided, multiple submitters, no conflicts (2 of 4 stars). 4 submissions from 4 submitters: Pathogenic (1); Likely pathogenic (2). 1 of the submissions does not count toward it. Last evaluated 2022-11-01.

Conditions:
Hereditary cancer-predisposing syndrome. Also called: Hereditary Cancer Syndrome; Hereditary neoplastic syndrome; Neoplastic Syndromes, Hereditary; Tumor predisposition. Identifiers: Orphanet 140162, MedGen C0027672, MeSH D009386, MONDO:0015356.
Breast-ovarian cancer, familial, susceptibility to, 1 (BROVCA1). Also called: BRCA1 Hereditary Breast and Ovarian Cancer; OVARIAN CANCER, SUSCEPTIBILITY TO. Identifiers: Orphanet 145, MedGen C2676676, MONDO:0011450, OMIM 604370. Disease mechanism: loss of function.
Hereditary breast ovarian cancer syndrome. Also called: BRCA1- and BRCA2-Associated Hereditary Breast and Ovarian Cancer; Hereditary breast and ovarian cancer syndrome; Hereditary breast and ovarian cancer syndrome (HBOC); Breast and ovarian cancer; Hereditary breast and/or ovarian cancer syndrome; Hereditary breast and ovarian cancer. Identifiers: Orphanet 145, MedGen C0677776, MeSH D061325, MONDO:0003582. Disease mechanism: loss of function.

Submissions (4):

Labcorp Genetics (formerly Invitae), Labcorp
Classification: Likely pathogenic for Hereditary breast ovarian cancer syndrome. Last evaluated: 2022-11-01. Review status: criteria provided, single submitter. Criteria: Invitae Variant Classification Sherloc (09022015). Collection method: clinical testing. Allele origin: germline.
Comment: This variant is not present in population databases (gnomAD no frequency). In summary, the currently available evidence indicates that the variant is pathogenic, but additional data are needed to prove that conclusively. Therefore, this variant has been classified as Likely Pathogenic. Studies have shown that disruption of this splice site results in skipping of exon 21 and introduces a premature termination codon (Invitae). The resulting mRNA is expected to undergo nonsense-mediated decay. ClinVar contains an entry for this variant (Variation ID: 55560). Disruption of this splice site has been observed in individual(s) with breast cancer (PMID: 22970155). This sequence change affects a splice site in intron 21 of the BRCA1 gene. RNA analysis indicates that disruption of this splice site induces altered splicing and may result in an absent or disrupted protein product.

Color Diagnostics, LLC DBA Color Health
Classification: Likely pathogenic for Hereditary cancer-predisposing syndrome. Last evaluated: 2020-02-07. Review status: criteria provided, single submitter. Criteria: ACMG Guidelines, 2015. Collection method: clinical testing. Allele origin: germline.
Comment: This variant causes the deletion of the first three nucleotides in intron 21 of the BRCA1 gene that abolishes the intron 21 splice donor site. Splice site prediction tools predict that this variant may have a significant impact on RNA splicing. To our knowledge, functional studies have not been performed for this variant. This variant has been reported in at least two individuals affected with breast and/or ovarian cancer and it has been suggested to be a possible founder mutation (PMID: 22970155, 29487695). This variant has not been identified in the general population by the Genome Aggregation Database (gnomAD). Loss of BRCA1 function is a known mechanism of disease. Based on the available evidence, this variant is classified as Likely Pathogenic.

Consortium of Investigators of Modifiers of BRCA1/2 (CIMBA), c/o University of Cambridge
Classification: Pathogenic for Breast-ovarian cancer, familial, susceptibility to, 1. Last evaluated: 2015-10-02. Review status: criteria provided, single submitter. Criteria: CIMBA Mutation Classification guidelines May 2016. Collection method: clinical testing. Allele origin: germline.

Breast Cancer Information Core (BIC) (BRCA1)
No classification provided. Condition: Breast-ovarian cancer, familial 1. Review status: no classification provided. Collection method: clinical testing. Allele origin: germline, somatic. Affected: yes. Observed: 3 variant alleles. Not counted in ClinVar's aggregate classification.

Literature cited by the submitters: PubMed 22970155 (cited by Labcorp Genetics (formerly Invitae), Labcorp).